The following is an entry in ClinVar:

NM_004933.3(CDH15):c.2231C>T (p.Ser744Leu)

Gene: CDH15 (cadherin 15; plus strand). Cytogenetic location: 16q24.3.
Variant type: single nucleotide variant.
Coding change: c.2231C>T on transcript NM_004933.3 (MANE Select); coding-DNA position 2231, C replaced by T.
Protein change: p.Ser744Leu; replaces serine 744 with leucine.
Molecular consequence: missense variant.
Genome position (GRCh38, 1-based): chr16:89,194,941, C>T. VCF-style: chr16-89194941-C-T. GRCh37 (hg19) VCF-style: chr16-89261349-C-T.
Other names: short protein forms S744L.
Identifiers: ClinVar variation 279743 (VCV000279743.3), dbSNP rs145092759, ClinGen allele CA10603282.

ClinVar aggregate classification (germline): Uncertain significance. Review status: criteria provided, multiple submitters, no conflicts (2 of 4 stars). 2 submissions from 2 submitters: Uncertain significance (2). Last evaluated 2026-04-24.

gnomAD v4.1: 13 of 1,608,440 alleles (0.00081%); highest among the groups gnomAD compares: South Asian, 0.0089%; no homozygotes.

Submissions (2):

Women's Health and Genetics/Laboratory Corporation of America, LabCorp
Classification: Uncertain significance. Last evaluated: 2026-04-24. Review status: criteria provided, single submitter. Criteria: LabCorp Variant Classification Summary - May 2015. Collection method: clinical testing. Allele origin: germline.
Comment: Variant summary: CDH15 c.2231C>T (p.Ser744Leu) results in a non-conservative amino acid change in the encoded protein sequence. Algorithms developed to predict the effect of missense changes on protein structure and function all suggest that this variant is likely to be disruptive. The variant allele was found at a frequency of 1.2e-05 in 240556 control chromosomes (gnomAD). The available data on variant occurrences in the general population are insufficient to allow any conclusion about variant significance. c.2231C>T has been observed in one individual affected with clinical features of CDH15-related disorders (Yavarna_2015). The report does not provide unequivocal conclusions about association of the variant with Intellectual Disability, Autosomal Dominant 3. To our knowledge, no experimental evidence demonstrating an impact on protein function has been reported. The following publication have been ascertained in the context of this evaluation (PMID: 26077850). ClinVar contains an entry for this variant (Variation ID: 279743). Based on the evidence outlined above, the variant was classified as uncertain significance.

GeneDx
Classification: Uncertain significance. Last evaluated: 2015-04-23. Review status: criteria provided, single submitter. Criteria: GeneDx Variant Classification (06012015). Collection method: clinical testing. Allele origin: germline. Affected: yes.
Comment: S744L in the CDH15 gene has not been published as a pathogenic variant, nor has it been reported as a benign polymorphism to our knowledge. The S744L variant was not observed in approximately 6,500 individuals of European and African American ancestry in the NHLBI Exome Sequencing Project, indicating it is not a common benign variant in these populations. The S744L variant is a non-conservative amino acid substitution, which is likely to impact secondary protein structure as these residues differ in polarity, charge, size and/or other properties. This substitution occurs at a position that is conserved across species. In silico analysis predicts this variant is probably damaging to the protein structure/function. We interpret S744L as a variant of unknown significance.

Literature cited by the submitters: PubMed 26077850 (cited by Women's Health and Genetics/Laboratory Corporation of America, LabCorp).